The following is an entry in ClinVar:

NM_021098.3(CACNA1H):c.2247G>A (p.Thr749=)

Gene: CACNA1H (calcium voltage-gated channel subunit alpha1 H; plus strand). Cytogenetic location: 16p13.3.
Variant type: single nucleotide variant.
Coding change: c.2247G>A on transcript NM_021098.3 (MANE Select); coding-DNA position 2247, G replaced by A.
Protein change: p.Thr749=; no amino-acid change (threonine 749 retained).
Molecular consequence: synonymous variant.
Genome position (GRCh38, 1-based): chr16:1,204,254, G>A. VCF-style: chr16-1204254-G-A. GRCh37 (hg19) VCF-style: chr16-1254254-G-A.
Other names: c.2247G>A, p.Thr749= (NM_001005407.2); c.2247G>A (NM_021098.2).
Identifiers: ClinVar variation 1441155 (VCV001441155.9), dbSNP rs774505050, ClinGen allele CA7800175.

ClinVar aggregate classification (germline): Likely benign. Review status: criteria provided, single submitter (1 of 4 stars). 2 submissions from 2 submitters: Likely benign (1). 1 of the submissions does not count toward it. Last evaluated 2024-02-24.

Conditions:
Idiopathic generalized epilepsy. Also called: EIG; Generalised epilepsy. Identifiers: MedGen C0270850, MONDO:0005579, OMIM 600669.
Hyperaldosteronism, familial, type IV (HALD4). Also called: FH IV; ALDOSTERONISM, PRIMARY, AND HYPERTENSION. Identifiers: Orphanet 642671, MedGen C4310756, MONDO:0014875, OMIM 617027.
CACNA1H-related disorder.

Allele frequency attached by ClinVar (database versions not stated): ExAC 0.00001; TOPMed 0.00002.
gnomAD v4.1: 15 of 1,609,716 alleles (0.00093%); highest among the groups gnomAD compares: South Asian, 0.0022%; no homozygotes.

Submissions (2):

Labcorp Genetics (formerly Invitae), Labcorp
Classification: Likely benign for Idiopathic generalized epilepsy; Hyperaldosteronism, familial, type IV. Last evaluated: 2024-02-24. Review status: criteria provided, single submitter. Criteria: Invitae Variant Classification Sherloc (09022015). Collection method: clinical testing. Allele origin: germline.

PreventionGenetics, part of Exact Sciences
Classification: Likely benign for CACNA1H-related condition. Last evaluated: 2021-08-03. Review status: no assertion criteria provided. Collection method: clinical testing. Allele origin: germline. Not counted in ClinVar's aggregate classification.
Comment: This variant is classified as likely benign based on ACMG/AMP sequence variant interpretation guidelines (Richards et al. 2015 PMID: 25741868, with internal and published modifications).